The following is an entry in ClinVar:

ClinVar aggregate classification (germline): Conflicting classifications of pathogenicity. Review status: criteria provided, conflicting classifications (1 of 4 stars). 3 submissions from 3 submitters: Uncertain significance (1); Likely benign (1). 1 of the submissions does not count toward it. Last evaluated 2024-11-20.

Conditions:
TBXA2R-related disorder. Also called: TBXA2R-related condition.
Bleeding disorder, platelet-type, 13, susceptibility to (BDPLT13). Also called: BLEEDING DISORDER, SUSCEPTIBILITY TO, DUE TO DEFECTIVE PLATELET THROMBOXANE A2 RECEPTOR. Identifiers: MedGen C3279614, MONDO:0800447, OMIM 614009.

Allele frequency attached by ClinVar (database versions not stated): 1000 Genomes Project 30x 0.00016; ExAC 0.00032; gnomAD 0.00064; TOPMed 0.00070; gnomAD exomes 0.00073.
gnomAD v4.1: 1,102 of 1,536,376 alleles (0.072%); highest among the groups gnomAD compares: Admixed American, 0.18%; 1 homozygote.

Submissions (3):

Blueprint Genetics
Classification: Likely benign. Last evaluated: 2024-11-20. Review status: criteria provided, single submitter. Criteria: ACMG Guidelines, 2015. Collection method: clinical testing. Allele origin: germline.

Department of Pathology and Laboratory Medicine, Sinai Health System
Classification: Uncertain significance for Bleeding disorder, platelet-type, 13, susceptibility to. Last evaluated: 2020-06-23. Review status: criteria provided, single submitter. Criteria: ACMG Guidelines, 2015. Collection method: research. Allele origin: germline.

PreventionGenetics, part of Exact Sciences
Classification: Likely benign for TBXA2R-related condition. Last evaluated: 2023-07-31. Review status: no assertion criteria provided. Collection method: clinical testing. Allele origin: germline. Not counted in ClinVar's aggregate classification.
Comment: This variant is classified as likely benign based on ACMG/AMP sequence variant interpretation guidelines (Richards et al. 2015 PMID: 25741868, with internal and published modifications).

NM_001060.6(TBXA2R):c.*846G>C

Gene: TBXA2R (thromboxane A2 receptor; minus strand). Cytogenetic location: 19p13.3.
Variant type: single nucleotide variant.
Coding change: c.*846G>C on transcript NM_001060.6 (MANE Select); 846 bases downstream of the stop codon, G replaced by C.
Molecular consequence: 3 prime UTR variant. On other transcripts: missense variant (1).
Genome position (GRCh38, 1-based): chr19:3,594,842, C>G on the plus strand (G>C on the coding strand, the complement: TBXA2R is on the minus strand). VCF-style: chr19-3594842-C-G. GRCh37 (hg19) VCF-style: chr19-3594840-C-G.
Other names: c.1218G>C, p.Lys406Asn (NM_201636.3); short protein forms K406N.
Identifiers: ClinVar variation 3044020 (VCV003044020.4), dbSNP rs201087249, ClinGen allele CA9080656.